The following is an entry in ClinVar:

ClinVar aggregate classification (germline): Uncertain significance (1 of 4 stars; one submission).

Submission:

GeneDx
Classification: Uncertain significance. Last evaluated: 2023-06-13. Review status: criteria provided, single submitter. Criteria: GeneDx Variant Classification Process June 2021. Collection method: clinical testing. Allele origin: germline. Affected: yes.
Comment: Not observed at significant frequency in large population cohorts (gnomAD); In silico analysis supports that this missense variant has a deleterious effect on protein structure/function; Has not been previously published as pathogenic or benign to our knowledge; Variants in candidate genes are classified as variants of uncertain significance in accordance with ACMG guidelines (Richards et al., 2015)

NM_001357.5(DHX9):c.1469C>T (p.Thr490Ile)

Gene: DHX9 (DExH-box helicase 9; plus strand). Cytogenetic location: 1q25.3.
Variant type: single nucleotide variant.
Coding change: c.1469C>T on transcript NM_001357.5 (MANE Select); coding-DNA position 1469, C replaced by T.
Protein change: p.Thr490Ile; replaces threonine 490 with isoleucine.
Molecular consequence: missense variant. On other transcripts: non-coding transcript variant (1).
Genome position (GRCh38, 1-based): chr1:182,866,580, C>T. VCF-style: chr1-182866580-C-T. GRCh37 (hg19) VCF-style: chr1-182835715-C-T.
Other names: short protein forms T490I.
Identifiers: ClinVar variation 3359695 (VCV003359695.1).